The following is an entry in ClinVar:

ClinVar aggregate classification (germline): Uncertain significance (1 of 4 stars; one submission).

Conditions:
Hereditary cancer-predisposing syndrome. Also called: Hereditary Cancer Syndrome; Hereditary neoplastic syndrome; Neoplastic Syndromes, Hereditary; Tumor predisposition. Identifiers: Orphanet 140162, MedGen C0027672, MeSH D009386, MONDO:0015356.

Submission:

Ambry Genetics
Classification: Uncertain significance for Hereditary cancer-predisposing syndrome. Last evaluated: 2025-03-25. Review status: criteria provided, single submitter. Criteria: Ambry Variant Classification Scheme 2023. Collection method: clinical testing. Allele origin: germline.
Comment: The p.A1402T variant (also known as c.4204G>A), located in coding exon 15 of the APC gene, results from a G to A substitution at nucleotide position 4204. The alanine at codon 1402 is replaced by threonine, an amino acid with similar properties. This amino acid position is conserved. In addition, in silico predictors for this gene do not accurately predict pathogenicity. Based on the available evidence, the clinical significance of this variant remains unclear.

NM_000038.6(APC):c.4204G>A (p.Ala1402Thr)

Gene: APC (APC regulator of Wnt signaling pathway; plus strand). Cytogenetic location: 5q22.2.
Variant type: single nucleotide variant.
Coding change: c.4204G>A on transcript NM_000038.6 (MANE Select); coding-DNA position 4204, G replaced by A.
Protein change: p.Ala1402Thr; replaces alanine 1402 with threonine.
Molecular consequence: missense variant. On other transcripts: non-coding transcript variant (2).
Genome position (GRCh38, 1-based): chr5:112,839,798, G>A. VCF-style: chr5-112839798-G-A. GRCh37 (hg19) VCF-style: chr5-112175495-G-A.
Other names: c.4204G>A, p.Ala1402Thr (NM_001127510.3, NM_001354895.2, NM_001407450.1); c.4150G>A, p.Ala1384Thr (NM_001127511.3); c.4258G>A, p.Ala1420Thr (NM_001354896.2, NM_001407447.1, NM_001407448.1 and 1 more transcripts); c.4234G>A, p.Ala1412Thr (NM_001354897.2); c.4129G>A, p.Ala1377Thr (NM_001354898.2); c.4120G>A, p.Ala1374Thr (NM_001354899.2); c.4081G>A, p.Ala1361Thr (NM_001354900.2); c.4027G>A, p.Ala1343Thr (NM_001354901.2, NM_001407453.1); and 11 more; short protein forms A1242T, A1273T, A1395T, A1420T, A1119T, A1301T, A1343T, A1361T.
Identifiers: ClinVar variation 3926735 (VCV003926735.1).